The following is an entry in ClinVar:

NM_001999.4(FBN2):c.3986G>A (p.Cys1329Tyr)

Gene: FBN2 (fibrillin 2; minus strand). Cytogenetic location: 5q23.3.
Variant type: single nucleotide variant.
Coding change: c.3986G>A on transcript NM_001999.4 (MANE Select); coding-DNA position 3986, G replaced by A.
Protein change: p.Cys1329Tyr; replaces cysteine 1329 with tyrosine.
Molecular consequence: missense variant.
Genome position (GRCh38, 1-based): chr5:128,334,832, C>T on the plus strand (G>A on the coding strand, the complement: FBN2 is on the minus strand). VCF-style: chr5-128334832-C-T. GRCh37 (hg19) VCF-style: chr5-127670524-C-T.
Other names: short protein forms C1329Y.
Identifiers: ClinVar variation 844617 (VCV000844617.10), dbSNP rs1750792792, ClinGen allele CA360757240.

ClinVar aggregate classification (germline): Pathogenic (1 of 4 stars; one submission).

Conditions:
Congenital contractural arachnodactyly (CCA). Also called: BEALS SYNDROME; Arthrogryposis, distal, type 9; Beals-Hecht syndrome. Identifiers: Orphanet 115, MedGen C0220668, MONDO:0007363, OMIM 121050.

Submission:

Labcorp Genetics (formerly Invitae), Labcorp
Classification: Pathogenic for Congenital contractural arachnodactyly. Last evaluated: 2019-12-03. Review status: criteria provided, single submitter. Criteria: Invitae Variant Classification Sherloc (09022015). Collection method: clinical testing. Allele origin: germline.
Comment: This variant affects a cysteine residue located within an epidermal growth factor (EGF)–like domain of the FBN2 protein. Cysteine residues in these domains are involved in the formation of disulfide bridges critical for protein structure and stability (PMID: 3495735, 4750422, 16677079). In addition, missense substitutions within the FBN2 EGF-like domains affecting cysteine residues are overrepresented in patients with congenital contractural arachnodactyly (PMID: 18767143). For these reasons, this variant has been classified as Pathogenic. Algorithms developed to predict the effect of missense changes on protein structure and function are either unavailable or do not agree on the potential impact of this missense change (SIFT: "Deleterious"; PolyPhen-2: "Probably Damaging"; Align-GVGD: "Class C0"). This variant has been observed in individual(s) with clinical features of congenital contractural arachnodactyly (Invitae). In at least one individual the variant was observed to be de novo. This variant is not present in population databases (ExAC no frequency). This sequence change replaces cysteine with tyrosine at codon 1329 of the FBN2 protein (p.Cys1329Tyr). The cysteine residue is highly conserved and there is a large physicochemical difference between cysteine and tyrosine.

Literature cited by the submitters: PubMed 3495735; PubMed 4750422; PubMed 16677079; PubMed 18767143.